The following is an entry in ClinVar:

ClinVar aggregate classification (germline): Uncertain significance (1 of 4 stars; one submission).

Conditions:
Pheochromocytoma/paraganglioma syndrome 3. Also called: GLOMUS TUMORS, FAMILIAL, 3; Paragangliomas 3; SDHC-Related Hereditary Paraganglioma-Pheochromocytoma Syndrome (Paragangliomas 3); SDHC-Related Hereditary Paraganglioma-Pheochromocytoma Syndrome. Identifiers: Orphanet 29072, MedGen C1854336, MONDO:0011544, OMIM 605373.
Gastrointestinal stromal tumor. Also called: Gastrointestinal stromal tumor, somatic; Gastrointestinal stroma tumor. Identifiers: Orphanet 44890, MedGen C0238198, MeSH D046152, MONDO:0011719, OMIM 606764, HP:0100723.

Submission:

Labcorp Genetics (formerly Invitae), Labcorp
Classification: Uncertain significance for Pheochromocytoma/paraganglioma syndrome 3; Gastrointestinal stromal tumor. Last evaluated: 2025-01-20. Review status: criteria provided, single submitter. Criteria: Invitae Variant Classification Sherloc (09022015). Collection method: clinical testing. Allele origin: germline.
Comment: This sequence change disrupts the translational stop signal of the SDHC mRNA. It is expected to extend the length of the SDHC protein by 54 additional amino acid residues. This variant is not present in population databases (gnomAD no frequency). This variant has not been reported in the literature in individuals affected with SDHC-related conditions. ClinVar contains an entry for this variant (Variation ID: 858555). In summary, the available evidence is currently insufficient to determine the role of this variant in disease. Therefore, it has been classified as a Variant of Uncertain Significance.

NM_003001.5(SDHC):c.508T>C (p.Ter170Arg)

Gene: SDHC (succinate dehydrogenase complex subunit C; plus strand). Cytogenetic location: 1q23.3.
Variant type: single nucleotide variant.
Coding change: c.508T>C on transcript NM_003001.5 (MANE Select); coding-DNA position 508, T replaced by C.
Protein change: p.Ter170Arg.
Molecular consequence: stop lost. On other transcripts: missense variant (3).
Genome position (GRCh38, 1-based): chr1:161,362,431, T>C. VCF-style: chr1-161362431-T-C. GRCh37 (hg19) VCF-style: chr1-161332221-T-C.
Other names: *117R; *136R; *170R; c.344T>C, p.Val115Ala (NM_001035511.3); c.406T>C, p.Ter136Arg (NM_001035512.3); c.349T>C, p.Ter117Arg (NM_001035513.3); c.242T>C, p.Val81Ala (NM_001278172.3); c.628T>C, p.Ter210Arg (NM_001407115.1); and 5 more; short protein forms V81A, V115A, V96A.
Identifiers: ClinVar variation 858555 (VCV000858555.8), dbSNP rs1672555380, ClinGen allele CA343458008.
Genomic context (GRCh38, chr1:161,362,431, plus strand): 5'-CAGTCTGGAGTGGTTGTCCTGGTTCTTACTGTGTTGTCCTCTATGGGGCTGGCAGCCATG[T>C]GAAGAAAGGAGGCTCCCAGCATCATCTTCCTACACATTATTACATTCACCCATCTTTCTG-3'